The following is an entry in ClinVar:

ClinVar aggregate classification (germline): Uncertain significance (1 of 4 stars; one submission).

Conditions:
Congenital myasthenic syndrome 8. Also called: Myasthenic syndrome, congenital, 8, with pre- and postsynaptic defects; MYASTHENIC SYNDROME, CONGENITAL, DUE TO AGRIN DEFICIENCY. Identifiers: Orphanet 590, MedGen C3808739, MONDO:0014052, OMIM 615120.

Allele frequency attached by ClinVar (database versions not stated): gnomAD 0.00004; gnomAD exomes 0.00004 and 0.00006; TOPMed 0.00004; ExAC 0.00006.
gnomAD v4.1: 68 of 1,605,248 alleles (0.0042%); highest among the groups gnomAD compares: South Asian, 0.0033%; 1 homozygote.

Submission:

Labcorp Genetics (formerly Invitae), Labcorp
Classification: Uncertain significance for Congenital myasthenic syndrome 8. Last evaluated: 2021-08-31. Review status: criteria provided, single submitter. Criteria: Invitae Variant Classification Sherloc (09022015). Collection method: clinical testing. Allele origin: germline.
Comment: This sequence change replaces threonine with methionine at codon 435 of the AGRN protein (p.Thr435Met). The threonine residue is highly conserved and there is a moderate physicochemical difference between threonine and methionine. This variant is present in population databases (rs777883200, ExAC 0.01%). This variant has not been reported in the literature in individuals affected with AGRN-related conditions. Algorithms developed to predict the effect of missense changes on protein structure and function are either unavailable or do not agree on the potential impact of this missense change (SIFT: "Deleterious"; PolyPhen-2: "Probably Damaging"; Align-GVGD: "Class C0"). In summary, the available evidence is currently insufficient to determine the role of this variant in disease. Therefore, it has been classified as a Variant of Uncertain Significance.

NM_198576.4(AGRN):c.1304C>T (p.Thr435Met)

Gene: AGRN (agrin; plus strand). Cytogenetic location: 1p36.33.
Variant type: single nucleotide variant.
Coding change: c.1304C>T on transcript NM_198576.4 (MANE Select); coding-DNA position 1304, C replaced by T.
Protein change: p.Thr435Met; replaces threonine 435 with methionine.
Molecular consequence: missense variant.
Genome position (GRCh38, 1-based): chr1:1,042,082, C>T. VCF-style: chr1-1042082-C-T. GRCh37 (hg19) VCF-style: chr1-977462-C-T.
Other names: c.1304C>T, p.Thr435Met (NM_001305275.2); c.989C>T, p.Thr330Met (NM_001364727.2); short protein forms T435M, T330M.
Identifiers: ClinVar variation 1479663 (VCV001479663.5), dbSNP rs777883200, ClinGen allele CA508108.
Genomic context (GRCh38, chr1:1,042,082, plus strand): 5'-CCTGCGACCGCGTCACCTGTGACGGGGCCTACAGGCCCGTGTGTGCCCAGGACGGGCGCA[C>T]GTATGACAGTGATTGCTGGCGGCAGCAGGCTGAGTGCCGGCAGCAGCGTGCCATCCCCAG-3'
Protein context (NP_940978.2, residues 425-445): YRPVCAQDGR[Thr435Met]YDSDCWRQQA